The following is an entry in ClinVar:

ClinVar aggregate classification (germline): Uncertain significance. Review status: criteria provided, multiple submitters, no conflicts (2 of 4 stars). 2 submissions from 2 submitters: Uncertain significance (2). Last evaluated 2025-09-20.

Conditions:
Inborn genetic diseases. Identifiers: MedGen C0950123, MeSH D030342.

Allele frequency attached by ClinVar (database versions not stated): TOPMed below 0.00001; gnomAD 0.00003; gnomAD exomes 0.00005; ExAC 0.00007.
gnomAD v4.1: 77 of 1,614,058 alleles (0.0048%); highest among the groups gnomAD compares: South Asian, 0.082%; no homozygotes.

Submissions (2):

Labcorp Genetics (formerly Invitae), Labcorp
Classification: Uncertain significance. Last evaluated: 2025-09-20. Review status: criteria provided, single submitter. Criteria: Invitae Variant Classification Sherloc (09022015). Collection method: clinical testing. Allele origin: germline.
Comment: This sequence change replaces proline, which is neutral and non-polar, with serine, which is neutral and polar, at codon 1326 of the ANK1 protein (p.Pro1326Ser). This variant is present in population databases (rs762000465, gnomAD 0.06%), and has an allele count higher than expected for a pathogenic variant. This variant has not been reported in the literature in individuals affected with ANK1-related conditions. ClinVar contains an entry for this variant (Variation ID: 2238514). Invitae Evidence Modeling of protein sequence and biophysical properties (such as structural, functional, and spatial information, amino acid conservation, physicochemical variation, residue mobility, and thermodynamic stability) indicates that this missense variant is not expected to disrupt ANK1 protein function with a negative predictive value of 80%. In summary, the available evidence is currently insufficient to determine the role of this variant in disease. Therefore, it has been classified as a Variant of Uncertain Significance.

Ambry Genetics
Classification: Uncertain significance for Inborn genetic diseases. Last evaluated: 2021-07-20. Review status: criteria provided, single submitter. Criteria: Ambry Variant Classification Scheme 2023. Collection method: clinical testing. Allele origin: germline.

NM_000037.4(ANK1):c.3976C>T (p.Pro1326Ser)

Gene: ANK1 (ankyrin 1; minus strand). Cytogenetic location: 8p11.21.
Variant type: single nucleotide variant.
Coding change: c.3976C>T on transcript NM_000037.4 (MANE Select); coding-DNA position 3976, C replaced by T.
Protein change: p.Pro1326Ser; replaces proline 1326 with serine.
Molecular consequence: missense variant.
Genome position (GRCh38, 1-based): chr8:41,690,482, G>A on the plus strand (C>T on the coding strand, the complement: ANK1 is on the minus strand). VCF-style: chr8-41690482-G-A. GRCh37 (hg19) VCF-style: chr8-41548000-G-A.
Other names: c.4099C>T, p.Pro1367Ser (NM_001142446.2); c.3976C>T, p.Pro1326Ser (NM_020475.3, NM_020476.3, NM_020477.3); short protein forms P1367S, P1326S.
Identifiers: ClinVar variation 2238514 (VCV002238514.3), dbSNP rs762000465, ClinGen allele CA4727728.